The following is an entry in ClinVar:

ClinVar aggregate classification (germline): Uncertain significance (1 of 4 stars; one submission).

Conditions:
Peroxisome biogenesis disorder. Identifiers: Orphanet 79189, MedGen C1832200, MONDO:0019234. Disease mechanism: loss of function.

Allele frequency attached by ClinVar (database versions not stated): gnomAD exomes below 0.00001.

Submission:

Labcorp Genetics (formerly Invitae), Labcorp
Classification: Uncertain significance for Peroxisome biogenesis disorder. Last evaluated: 2022-08-19. Review status: criteria provided, single submitter. Criteria: Invitae Variant Classification Sherloc (09022015). Collection method: clinical testing. Allele origin: germline.
Comment: This sequence change falls in intron 2 of the PEX6 gene. It does not directly change the encoded amino acid sequence of the PEX6 protein. It affects a nucleotide within the consensus splice site. This variant is present in population databases (no rsID available, gnomAD 0.003%). This variant has not been reported in the literature in individuals affected with PEX6-related conditions. Variants that disrupt the consensus splice site are a relatively common cause of aberrant splicing (PMID: 17576681, 9536098). Algorithms developed to predict the effect of sequence changes on RNA splicing suggest that this variant may create or strengthen a splice site. In summary, the available evidence is currently insufficient to determine the role of this variant in disease. Therefore, it has been classified as a Variant of Uncertain Significance.

Literature cited by the submitters: PubMed 17576681; PubMed 9536098.

NM_000287.4(PEX6):c.1046+3_1046+5dup

Gene: PEX6 (peroxisomal biogenesis factor 6; minus strand). Cytogenetic location: 6p21.1.
Variant type: Duplication.
Coding change: c.1046+3_1046+5dup on transcript NM_000287.4 (MANE Select); bases 3 to 5 of the intron after coding-DNA position 1046, 3 bases duplicated (TAG; older notation c.1046+3_1046+5dupTAG).
Molecular consequence: intron variant.
Genome position (GRCh38, 1-based): chr6:42,974,870-42,974,872, CTA duplicated on the plus strand (TAG on the coding strand, the reverse complement: PEX6 is on the minus strand). VCF-style (leftmost placement, unchanged base first): chr6-42974869-G-GCTA. GRCh37 (hg19) VCF-style: chr6-42942607-G-GCTA.
Other names: c.782+3_782+5dup (NM_001316313.2).
Identifiers: ClinVar variation 2173847 (VCV002173847.1), dbSNP rs1357797157, ClinGen allele CA567150154.